The following is an entry in ClinVar:

ClinVar aggregate classification (germline): Uncertain significance. Review status: criteria provided, multiple submitters, no conflicts (2 of 4 stars). 2 submissions from 2 submitters: Uncertain significance (2). Last evaluated 2025-09-21.

Conditions:
Inborn genetic diseases. Identifiers: MedGen C0950123, MeSH D030342.

Submissions (2):

Ambry Genetics
Classification: Uncertain significance for Inborn genetic diseases. Last evaluated: 2025-09-21. Review status: criteria provided, single submitter. Criteria: Ambry Variant Classification Scheme 2023. Collection method: clinical testing. Allele origin: germline.

Women's Health and Genetics/Laboratory Corporation of America, LabCorp
Classification: Uncertain significance. Last evaluated: 2023-05-04. Review status: criteria provided, single submitter. Criteria: LabCorp Variant Classification Summary - May 2015. Collection method: clinical testing. Allele origin: germline.
Comment: Variant summary: OBSL1 c.3451T>C (p.Tyr1151His) results in a conservative amino acid change located in the Immunoglobulin subtype 2 (IPR003598) of the encoded protein sequence. Three of five in-silico tools predict a damaging effect of the variant on protein function. The variant was absent in 242392 control chromosomes. The available data on variant occurrences in the general population are insufficient to allow any conclusion about variant significance. To our knowledge, no occurrence of c.3451T>C in individuals affected with Three M Syndrome 2 and no experimental evidence demonstrating its impact on protein function have been reported. No clinical diagnostic laboratories have submitted clinical-significance assessments for this variant to ClinVar after 2014. Based on the evidence outlined above, the variant was classified as uncertain significance.

NM_015311.3(OBSL1):c.3451T>C (p.Tyr1151His)

Gene: OBSL1 (obscurin like cytoskeletal adaptor 1; minus strand). Cytogenetic location: 2q35.
Variant type: single nucleotide variant.
Coding change: c.3451T>C on transcript NM_015311.3 (MANE Select); coding-DNA position 3451, T replaced by C.
Protein change: p.Tyr1151His; replaces tyrosine 1151 with histidine.
Molecular consequence: missense variant.
Genome position (GRCh38, 1-based): chr2:219,558,235, A>G on the plus strand (T>C on the coding strand, the complement: OBSL1 is on the minus strand). VCF-style: chr2-219558235-A-G. GRCh37 (hg19) VCF-style: chr2-220422957-A-G.
Other names: c.3451T>C, p.Tyr1151His (NM_001173431.2); short protein forms Y1151H.
Identifiers: ClinVar variation 2506023 (VCV002506023.2), dbSNP rs2546236756, ClinGen allele CA350737025.
Genomic context (GRCh38, chr2:219,558,235, plus strand): 5'-AGCACCCACCAGCCAGGATGACATTGAAGGTGATGGCCTCATGCCGGGTCTCACACACAT[A>G]CTCCCCGGCGTCCTCAGGCTGGGCGTGGGGCAGGGTCAGGGTGCGGGTGGGCCCCTCGGC-3'
Protein context (NP_056126.1, residues 1141-1161): PHAQPEDAGE[Tyr1151His]VCETRHEAIT